The following is an entry in ClinVar:

NM_004586.3(RPS6KA3):c.1058A>T (p.Asp353Val)

Gene: RPS6KA3 (ribosomal protein S6 kinase A3; minus strand). Cytogenetic location: Xp22.12.
Variant type: single nucleotide variant.
Coding change: c.1058A>T on transcript NM_004586.3 (MANE Select); coding-DNA position 1058, A replaced by T.
Protein change: p.Asp353Val; replaces aspartic acid 353 with valine.
Molecular consequence: missense variant.
Genome position (GRCh38, 1-based): chrX:20,176,294, T>A on the plus strand (A>T on the coding strand, the complement: RPS6KA3 is on the minus strand). VCF-style: chrX-20176294-T-A. GRCh37 (hg19) VCF-style: chrX-20194412-T-A.
Other names: c.974A>T, p.Asp325Val (NM_001438340.1); short protein forms D325V, D353V.
Identifiers: ClinVar variation 4999642 (VCV004999642.1).
Genomic context (GRCh38, chrX:20,176,294, plus strand): 5'-CACATTTTCTCCTTACCTTTGGGAGTTTTTGCAGTAAACTCAGGATCAAAATAGAATGTA[T>A]CTTCAGGCCTGCCCGTTGCAGGTTTAAATGGCGGATGAATTTCTCTTCTATACAGTTTCT-3'
Protein context (NP_004577.1, residues 343-363): PFKPATGRPE[Asp353Val]TFYFDPEFTA

ClinVar aggregate classification (germline): Uncertain significance (1 of 4 stars; one submission).

Conditions:
RPS6KA3-related disorder. Also called: RPS6KA3-related condition.

Submission:

PreventionGenetics, part of Exact Sciences
Classification: Uncertain significance for RPS6KA3-related condition. Last evaluated: 2025-05-12. Review status: criteria provided, single submitter. Criteria: ACMG Guidelines, 2015. Collection method: clinical testing. Allele origin: germline.
Comment: The RPS6KA3 c.1058A>T variant is predicted to result in the amino acid substitution p.Asp353Val. To our knowledge, this variant has not been reported in the literature or in a large population database (gnomAD), indicating this variant is rare. At this time, the clinical significance of this variant is uncertain due to the absence of conclusive functional and genetic evidence.